The following is an entry in ClinVar:

ClinVar aggregate classification (germline): Uncertain significance (1 of 4 stars; one submission).

Conditions:
Familial cold autoinflammatory syndrome 4 (FCAS4). Identifiers: Orphanet 47045, Orphanet 576349, MedGen C4015276, MONDO:0014498, OMIM 616115.
Periodic fever-infantile enterocolitis-autoinflammatory syndrome. Also called: Autoinflammation with infantile enterocolitis. Identifiers: Orphanet 436166, MedGen C4015067, MONDO:0014472, OMIM 616050.

Allele frequency attached by ClinVar (database versions not stated): gnomAD exomes below 0.00001.
gnomAD v4.1: 2 of 1,614,130 alleles (0.00012%); highest among the groups gnomAD compares: Admixed American, 0.0017%; no homozygotes.

Submission:

Labcorp Genetics (formerly Invitae), Labcorp
Classification: Uncertain significance for Periodic fever-infantile enterocolitis-autoinflammatory syndrome; Familial cold autoinflammatory syndrome 4. Last evaluated: 2021-11-01. Review status: criteria provided, single submitter. Criteria: Invitae Variant Classification Sherloc (09022015). Collection method: clinical testing. Allele origin: germline.
Comment: This sequence change creates a premature translational stop signal (p.Trp917*) in the NLRC4 gene. While this is not anticipated to result in nonsense mediated decay, it is expected to disrupt the last 108 amino acid(s) of the NLRC4 protein. This variant is present in population databases (no rsID available, gnomAD 0.003%). This variant has not been reported in the literature in individuals affected with NLRC4-related conditions. In summary, the available evidence is currently insufficient to determine the role of this variant in disease. Therefore, it has been classified as a Variant of Uncertain Significance.

NM_001199138.2(NLRC4):c.2750G>A (p.Trp917Ter)

Gene: NLRC4 (NLR family CARD domain containing 4; minus strand). Cytogenetic location: 2p22.3.
Variant type: single nucleotide variant.
Coding change: c.2750G>A on transcript NM_001199138.2 (MANE Select); coding-DNA position 2750, G replaced by A.
Protein change: p.Trp917Ter; replaces tryptophan 917 with a stop codon.
Molecular consequence: nonsense.
Genome position (GRCh38, 1-based): chr2:32,235,433, C>T on the plus strand (G>A on the coding strand, the complement: NLRC4 is on the minus strand). VCF-style: chr2-32235433-C-T. GRCh37 (hg19) VCF-style: chr2-32460502-C-T.
Other names: c.2750G>A, p.Trp917Ter (NM_001199139.2, NM_021209.5); c.755G>A, p.Trp252Ter (NM_001302504.2); short protein forms W917*, W252*.
Identifiers: ClinVar variation 1437248 (VCV001437248.3), dbSNP rs1313800784, ClinGen allele CA346520619.